The following is an entry in ClinVar:

ClinVar aggregate classification (germline): Benign (1 of 4 stars; one submission).

Allele frequency attached by ClinVar (database versions not stated): TOPMed 0.53841; gnomAD 0.53917 and 0.54633; 1000 Genomes Project 30x 0.54841; 1000 Genomes Project 0.55491; gnomAD exomes 0.61447.
gnomAD v4.1: 327,926 of 551,130 alleles (60%); highest among the groups gnomAD compares: East Asian, 69%; 99,152 homozygotes.

Submission:

GeneDx
Classification: Benign. Last evaluated: 2018-06-18. Review status: criteria provided, single submitter. Criteria: GeneDx Variant Classification (06012015). Collection method: clinical testing. Allele origin: germline. Affected: yes.
Comment: This variant is considered likely benign or benign based on one or more of the following criteria: it is a conservative change, it occurs at a poorly conserved position in the protein, it is predicted to be benign by multiple in silico algorithms, and/or has population frequency not consistent with disease.

NM_007255.3(B4GALT7):c.639+258T>C

Gene: B4GALT7 (beta-1,4-galactosyltransferase 7; plus strand). Cytogenetic location: 5q35.3.
Variant type: single nucleotide variant.
Coding change: c.639+258T>C on transcript NM_007255.3 (MANE Select); 258 bases into the intron after coding-DNA position 639, T replaced by C.
Molecular consequence: intron variant.
Genome position (GRCh38, 1-based): chr5:177,607,785, T>C. VCF-style: chr5-177607785-T-C. GRCh37 (hg19) VCF-style: chr5-177034786-T-C.
Identifiers: ClinVar variation 683273 (VCV000683273.1), dbSNP rs3792849, ClinGen allele CA11955168.
Genomic context (GRCh38, chr5:177,607,785, plus strand): 5'-TTCAGAAACCTGGGTGGTTAGTGGCCCTTAACACTGAAGAGTGTAGGGGCGGTTCAGGTG[T>C]ACCTTGCCCACCTCTCAGACAGTGTCACCAGGACCCTGTTTCTCTGTGCATCTCCCAGCT-3'